The following is an entry in ClinVar:

NM_012123.4(MTO1):c.1759A>G (p.Thr587Ala)

Gene: MTO1 (mitochondrial tRNA translation optimization 1; plus strand). Cytogenetic location: 6q13.
Variant type: single nucleotide variant.
Coding change: c.1759A>G on transcript NM_012123.4 (MANE Select); coding-DNA position 1759, A replaced by G.
Protein change: p.Thr587Ala; replaces threonine 587 with alanine.
Molecular consequence: missense variant.
Genome position (GRCh38, 1-based): chr6:73,497,738, A>G. VCF-style: chr6-73497738-A-G. GRCh37 (hg19) VCF-style: chr6-74207461-A-G.
Other names: c.1879A>G, p.Thr627Ala (NM_001123226.2); c.1834A>G, p.Thr612Ala (NM_133645.3); short protein forms T587A, T612A, T627A.
Identifiers: ClinVar variation 2164469 (VCV002164469.4), dbSNP rs1041946649, ClinGen allele CA140930978.

ClinVar aggregate classification (germline): Uncertain significance (1 of 4 stars; one submission).

Conditions:
Mitochondrial hypertrophic cardiomyopathy with lactic acidosis due to MTO1 deficiency. Also called: CARDIOMYOPATHY, INFANTILE HYPERTROPHIC MITOCHONDRIAL, AND LACTIC ACIDOSIS; Combined oxidative phosphorylation deficiency 10. Identifiers: Orphanet 314637, MedGen C4749921, MONDO:0013865, OMIM 614702.

Allele frequency attached by ClinVar (database versions not stated): gnomAD exomes below 0.00001.
gnomAD v4.1: 5 of 1,610,088 alleles (0.00031%); highest among the groups gnomAD compares: Non-Finnish European, 0.00042%; no homozygotes.

Submission:

Labcorp Genetics (formerly Invitae), Labcorp
Classification: Uncertain significance for Mitochondrial hypertrophic cardiomyopathy with lactic acidosis due to MTO1 deficiency. Last evaluated: 2022-01-28. Review status: criteria provided, single submitter. Criteria: Invitae Variant Classification Sherloc (09022015). Collection method: clinical testing. Allele origin: germline.
Comment: In summary, the available evidence is currently insufficient to determine the role of this variant in disease. Therefore, it has been classified as a Variant of Uncertain Significance. Algorithms developed to predict the effect of missense changes on protein structure and function output the following: SIFT: "Tolerated"; PolyPhen-2: "Benign"; Align-GVGD: "Class C0". The alanine amino acid residue is found in multiple mammalian species, which suggests that this missense change does not adversely affect protein function. This variant has not been reported in the literature in individuals affected with MTO1-related conditions. This variant is not present in population databases (gnomAD no frequency). This sequence change replaces threonine, which is neutral and polar, with alanine, which is neutral and non-polar, at codon 587 of the MTO1 protein (p.Thr587Ala).